The following is an entry in ClinVar:

ClinVar aggregate classification (germline): Uncertain significance (1 of 4 stars; one submission).

Submission:

Ambry Genetics
Classification: Uncertain significance. Last evaluated: 2026-01-24. Review status: criteria provided, single submitter. Criteria: Ambry Variant Classification Scheme 2023. Collection method: clinical testing. Allele origin: germline.
Comment: The p.P237A variant (also known as c.709C>G), located in coding exon 1 of the CDK12 gene, results from a C to G substitution at nucleotide position 709. The proline at codon 237 is replaced by alanine, an amino acid with highly similar properties. This amino acid position is conserved. In addition, this alteration is predicted to be tolerated by in silico analysis. Based on the available evidence, the clinical significance of this variant remains unclear.

NM_016507.4(CDK12):c.709C>G (p.Pro237Ala)

Genes: CDK12 (cyclin dependent kinase 12; plus strand), LOC126862553 (CDK7 strongly-dependent group 2 enhancer GRCh37_chr17:37618166-37619365; plus strand). Cytogenetic location: 17q12.
Variant type: single nucleotide variant.
Coding change: c.709C>G on transcript NM_016507.4 (MANE Select); coding-DNA position 709, C replaced by G.
Protein change: p.Pro237Ala; replaces proline 237 with alanine.
Molecular consequence: missense variant.
Genome position (GRCh38, 1-based): chr17:39,462,780, C>G. VCF-style: chr17-39462780-C-G. GRCh37 (hg19) VCF-style: chr17-37619033-C-G.
Other names: c.709C>G, p.Pro237Ala (NM_015083.4); short protein forms P237A.
Identifiers: ClinVar variation 4844488 (VCV004844488.1).
Genomic context (GRCh38, chr17:39,462,780, plus strand): 5'-AAACGGAGATCCAGGAGCCCCCACAGGAAGTGGTCTGACAGCTCCAAACAAGATGATAGC[C>G]CCTCGGGAGCTTCTTATGGCCAAGATTATGACCTTAGTCCCTCACGATCTCATACCTCGA-3'
Protein context (NP_057591.2, residues 227-247): WSDSSKQDDS[Pro237Ala]SGASYGQDYD